The following is an entry in ClinVar:

ClinVar aggregate classification (germline): Benign/Likely benign. Review status: criteria provided, multiple submitters, no conflicts (2 of 4 stars). 3 submissions from 3 submitters: Benign (1); Likely benign (2). Last evaluated 2026-04-21.

Conditions:
DICER1-related tumor predisposition. Also called: DICER1-related pleuropulmonary blastoma cancer predisposition syndrome; DICER1 syndrome. Identifiers: Orphanet 284343, MedGen C3839822, MONDO:0100216.
Hereditary cancer-predisposing syndrome. Also called: Neoplastic Syndromes, Hereditary; Hereditary Cancer Syndrome; Hereditary neoplastic syndrome; Tumor predisposition. Identifiers: Orphanet 140162, MedGen C0027672, MeSH D009386, MONDO:0015356.

Allele frequency attached by ClinVar (database versions not stated): gnomAD exomes 0.00001 and 0.00002; gnomAD 0.00003; ExAC 0.00004; TOPMed 0.00002.
gnomAD v4.1: 20 of 1,613,918 alleles (0.0012%); highest among the groups gnomAD compares: African/African-American, 0.0053%; no homozygotes.

Submissions (3):

Myriad Genetics, Inc.
Classification: Benign for DICER1-related tumor predisposition. Last evaluated: 2026-04-21. Review status: criteria provided, single submitter. Criteria: Myriad Autosomal Dominant, Autosomal Recessive and X-Linked Classification Criteria (2023). Collection method: clinical testing. Allele origin: unknown.
Comment: This variant is considered benign. This variant is a silent/synonymous amino acid change and it is not expected to impact splicing.

Labcorp Genetics (formerly Invitae), Labcorp
Classification: Likely benign for DICER1-related tumor predisposition. Last evaluated: 2026-01-26. Review status: criteria provided, single submitter. Criteria: Invitae Variant Classification Sherloc (09022015). Collection method: clinical testing. Allele origin: germline.

Ambry Genetics
Classification: Likely benign for Hereditary cancer-predisposing syndrome. Last evaluated: 2017-12-27. Review status: criteria provided, single submitter. Criteria: Ambry Variant Classification Scheme 2023. Collection method: clinical testing. Allele origin: germline.

NM_177438.3(DICER1):c.5607G>A (p.Pro1869=)

Gene: DICER1 (dicer 1, ribonuclease III; minus strand). Cytogenetic location: 14q32.13.
Variant type: single nucleotide variant.
Coding change: c.5607G>A on transcript NM_177438.3 (MANE Select); coding-DNA position 5607, G replaced by A.
Protein change: p.Pro1869=; no amino-acid change (proline 1869 retained).
Molecular consequence: synonymous variant. On other transcripts: missense variant (1).
Genome position (GRCh38, 1-based): chr14:95,090,660, C>T on the plus strand (G>A on the coding strand, the complement: DICER1 is on the minus strand). VCF-style: chr14-95090660-C-T. GRCh37 (hg19) VCF-style: chr14-95556997-C-T.
Other names: c.5444G>A, p.Arg1815Gln (NM_001195573.1); c.5607G>A, p.Pro1869= (NM_001271282.3, NM_001291628.2, NM_030621.4); short protein forms R1815Q.
Identifiers: ClinVar variation 543713 (VCV000543713.18), dbSNP rs762650757, ClinGen allele CA7330614.